The following is an entry in ClinVar:

ClinVar aggregate classification (germline): Likely benign (1 of 4 stars; one submission).

gnomAD v4.1: 9,336 of 1,613,968 alleles (0.58%); highest among the groups gnomAD compares: Non-Finnish European, 0.7%; 38 homozygotes.

Submission:

CeGaT Center for Human Genetics Tuebingen
Classification: Likely benign. Last evaluated: 2026-09-01. Review status: criteria provided, single submitter. Criteria: CeGaT Center For Human Genetics Tuebingen Variant Classification Criteria Version 2. Collection method: clinical testing. Allele origin: germline. Affected: yes. Observed: 3 variant alleles.
Comment: CAMSAP1: BP4, BS2

NM_015447.4(CAMSAP1):c.1705C>T (p.Leu569Phe)

Gene: CAMSAP1 (calmodulin regulated spectrin associated protein 1; minus strand). Cytogenetic location: 9q34.3.
Variant type: single nucleotide variant.
Coding change: c.1705C>T on transcript NM_015447.4 (MANE Select); coding-DNA position 1705, C replaced by T.
Protein change: p.Leu569Phe; replaces leucine 569 with phenylalanine.
Molecular consequence: missense variant.
Genome position (GRCh38, 1-based): chr9:135,822,956, G>A on the plus strand (C>T on the coding strand, the complement: CAMSAP1 is on the minus strand). VCF-style: chr9-135822956-G-A. GRCh37 (hg19) VCF-style: chr9-138714802-G-A.
Other names: c.871C>T, p.Leu291Phe (NM_001411031.1); c.1738C>T, p.Leu580Phe (NM_001437279.1); c.1273C>T, p.Leu425Phe (NM_001437280.1); c.1108C>T, p.Leu370Phe (NM_001437281.1); short protein forms L291F, L370F, L425F, L569F, L580F.
Identifiers: ClinVar variation 4280741 (VCV004280741.7).